The following is an entry in ClinVar:

NM_003413.4(ZIC3):c.26C>G (p.Pro9Arg)

Gene: ZIC3 (Zic family member 3; plus strand). Cytogenetic location: Xq26.3.
Variant type: single nucleotide variant.
Coding change: c.26C>G on transcript NM_003413.4 (MANE Select); coding-DNA position 26, C replaced by G.
Protein change: p.Pro9Arg; replaces proline 9 with arginine.
Molecular consequence: missense variant.
Genome position (GRCh38, 1-based): chrX:137,566,717, C>G. VCF-style: chrX-137566717-C-G. GRCh37 (hg19) VCF-style: chrX-136648876-C-G.
Other names: c.26C>G, p.Pro9Arg (NM_001330661.1); short protein forms P9R.
Identifiers: ClinVar variation 3193564 (VCV003193564.2), dbSNP rs764613910, ClinGen allele CA10529252.
Genomic context (GRCh38, chrX:137,566,717, plus strand): 5'-TCGGCCGGATCGCCTGTGCCCAGAACGTCCCACCCATGACGATGCTCCTGGACGGAGGCC[C>G]GCAGTTCCCTGGGCTGGGAGTGGGCAGCTTCGGCGCGCCGCGCCACCACGAGATGCCCAA-3'
Protein context (NP_003404.1, residues 1-19): MTMLLDGG[Pro9Arg]QFPGLGVGSF

ClinVar aggregate classification (germline): Uncertain significance. Review status: criteria provided, multiple submitters, no conflicts (2 of 4 stars). 2 submissions from 2 submitters: Uncertain significance (2). Last evaluated 2024-09-27.

Conditions:
Inborn genetic diseases. Identifiers: MedGen C0950123, MeSH D030342.

Allele frequency attached by ClinVar (database versions not stated): gnomAD exomes 0.00004; TOPMed 0.00004; gnomAD 0.00005; ExAC 0.00006.

Submissions (2):

Women's Health and Genetics/Laboratory Corporation of America, LabCorp
Classification: Uncertain significance. Last evaluated: 2024-09-27. Review status: criteria provided, single submitter. Criteria: LabCorp Variant Classification Summary - May 2015. Collection method: clinical testing. Allele origin: germline.
Comment: Variant summary: ZIC3 c.26C>G (p.Pro9Arg) results in a non-conservative amino acid change in the encoded protein sequence. Three of five in-silico tools predict a damaging effect of the variant on protein function. The variant allele was found at a frequency of 2.6e-05 in 151976 control chromosomes. The available data on variant occurrences in the general population are insufficient to allow any conclusion about variant significance. To our knowledge, no occurrence of c.26C>G in individuals affected with ZIC3-Related Disorders and no experimental evidence demonstrating its impact on protein function have been reported. ClinVar contains an entry for this variant (Variation ID: 3193564). Based on the evidence outlined above, the variant was classified as uncertain significance.

Ambry Genetics
Classification: Uncertain significance for Inborn genetic diseases. Last evaluated: 2023-12-20. Review status: criteria provided, single submitter. Criteria: Ambry Variant Classification Scheme 2023. Collection method: clinical testing. Allele origin: germline.